The following is an entry in ClinVar:

NM_001387850.1(FILIP1L):c.750G>A (p.Thr250=)

Genes: CMSS1 (cms1 ribosomal small subunit homolog; plus strand), FILIP1L (filamin A interacting protein 1 like; minus strand), LOC105374010 (uncharacterized LOC105374010; plus strand). Cytogenetic location: 3q12.1.
Variant type: single nucleotide variant.
Coding change: c.750G>A on transcript NM_001387850.1 (MANE Select); coding-DNA position 750, G replaced by A.
Protein change: p.Thr250=; no amino-acid change (threonine 250 retained).
Molecular consequence: synonymous variant. On other transcripts: intron variant (3).
Genome position (GRCh38, 1-based): chr3:99,850,926, C>T on the plus strand (G>A on the coding strand, the complement: FILIP1L is on the minus strand). VCF-style: chr3-99850926-C-T. GRCh37 (hg19) VCF-style: chr3-99569770-C-T.
Other names: c.750G>A, p.Thr250= (NM_001042459.3, NM_182909.4); c.30G>A, p.Thr10= (NM_001282794.2, NM_001370247.1, NM_001387851.1 and 1 more transcripts); c.64+32883C>T (NM_032359.4); c.606-20321G>A (NM_001387852.1); c.-25+7G>A (NM_001282793.2).
Identifiers: ClinVar variation 3038733 (VCV003038733.2), dbSNP rs36005744, ClinGen allele CA2513709.

ClinVar aggregate classification (germline): Likely benign (0 of 4 stars; one submission).

Conditions:
FILIP1L-related disorder. Also called: FILIP1L-related condition.

Allele frequency attached by ClinVar (database versions not stated): 1000 Genomes Project 0.00359; 1000 Genomes Project 30x 0.00422; gnomAD 0.00458; ExAC 0.00500; ESP Exome Variant Server 0.00531.
gnomAD v4.1: 9,764 of 1,614,130 alleles (0.6%); highest among the groups gnomAD compares: South Asian, 0.84%; 46 homozygotes.

Submission:

PreventionGenetics, part of Exact Sciences
Classification: Likely benign for FILIP1L-related condition. Last evaluated: 2019-02-21. Review status: no assertion criteria provided. Collection method: clinical testing. Allele origin: germline.
Comment: This variant is classified as likely benign based on ACMG/AMP sequence variant interpretation guidelines (Richards et al. 2015 PMID: 25741868, with internal and published modifications).